The following is an entry in ClinVar:

NM_000535.7(PMS2):c.480G>C (p.Gln160His)

Gene: PMS2 (PMS1 homolog 2, mismatch repair system component; minus strand). Cytogenetic location: 7p22.1.
Variant type: single nucleotide variant.
Coding change: c.480G>C on transcript NM_000535.7 (MANE Select); coding-DNA position 480, G replaced by C.
Protein change: p.Gln160His; replaces glutamine 160 with histidine.
Molecular consequence: missense variant. On other transcripts: 5 prime UTR variant (2), non-coding transcript variant (1).
Genome position (GRCh38, 1-based): chr7:6,002,510, C>G on the plus strand (G>C on the coding strand, the complement: PMS2 is on the minus strand). VCF-style: chr7-6002510-C-G. GRCh37 (hg19) VCF-style: chr7-6042141-C-G.
Other names: c.480G>C, p.Gln160His (NM_001322006.2, NM_001322014.2, NM_001406869.1 and 8 more transcripts); c.162G>C, p.Gln54His (NM_001322007.2, NM_001322008.2, NM_001406876.1 and 4 more transcripts); c.75G>C, p.Gln25His (NM_001322009.2, NM_001322010.2, NM_001322013.2 and 25 more transcripts); c.-405G>C (NM_001322011.2, NM_001322012.2); c.171G>C, p.Gln57His (NM_001322015.2, NM_001406875.1, NM_001406877.1 and 6 more transcripts); c.666G>C, p.Gln222His (NM_001406866.1); c.504G>C, p.Gln168His (NM_001406868.1); short protein forms Q168H, Q54H, Q160H, Q222H, Q25H, Q57H.
Identifiers: ClinVar variation 2003526 (VCV002003526.4), dbSNP rs1426242773, ClinGen allele CA366744271.
Genomic context (GRCh38, chr7:6,002,510, plus strand): 5'-TACCTTCTTAATATTCCTTTGAAATTCCTTATGGCGCACAGGTAGTGTGGAAAATAACTG[C>G]TGCACGCTGACTGTGGTCCCTCTGGGGCGGGGGTAGGGGGTTTTCTGGATAATTTTCCCA-3'
Protein context (NP_000526.2, residues 150-170): PRPRGTTVSV[Gln160His]QLFSTLPVRH

ClinVar aggregate classification (germline): Uncertain significance (1 of 4 stars; one submission).

Conditions:
Hereditary nonpolyposis colorectal neoplasms. Identifiers: MedGen C0009405, MeSH D003123.

Submission:

Labcorp Genetics (formerly Invitae), Labcorp
Classification: Uncertain significance for Hereditary nonpolyposis colorectal neoplasms. Last evaluated: 2025-12-22. Review status: criteria provided, single submitter. Criteria: Invitae Variant Classification Sherloc (09022015). Collection method: clinical testing. Allele origin: germline.
Comment: This sequence change replaces glutamine, which is neutral and polar, with histidine, which is basic and polar, at codon 160 of the PMS2 protein (p.Gln160His). This variant is not present in population databases (gnomAD no frequency). This variant has not been reported in the literature in individuals affected with PMS2-related conditions. ClinVar contains an entry for this variant (Variation ID: 2003526). Invitae Evidence Modeling incorporating data from in vitro experimental studies (internal data) indicates that this missense variant is not expected to disrupt PMS2 function with a negative predictive value of 95%. In summary, the available evidence is currently insufficient to determine the role of this variant in disease. Therefore, it has been classified as a Variant of Uncertain Significance.